The following is an entry in ClinVar:

ClinVar aggregate classification (germline): Uncertain significance (1 of 4 stars; one submission).

Allele frequency attached by ClinVar (database versions not stated): TOPMed 0.00001.

Submission:

Labcorp Genetics (formerly Invitae), Labcorp
Classification: Uncertain significance. Last evaluated: 2022-08-20. Review status: criteria provided, single submitter. Criteria: Invitae Variant Classification Sherloc (09022015). Collection method: clinical testing. Allele origin: germline.
Comment: This sequence change replaces valine, which is neutral and non-polar, with glutamic acid, which is acidic and polar, at codon 74 of the ACAD9 protein (p.Val74Glu). This variant is not present in population databases (gnomAD no frequency). This variant has not been reported in the literature in individuals affected with ACAD9-related conditions. Advanced modeling of protein sequence and biophysical properties (such as structural, functional, and spatial information, amino acid conservation, physicochemical variation, residue mobility, and thermodynamic stability) performed at Invitae indicates that this missense variant is expected to disrupt ACAD9 protein function. In summary, the available evidence is currently insufficient to determine the role of this variant in disease. Therefore, it has been classified as a Variant of Uncertain Significance.

NM_014049.5(ACAD9):c.221T>A (p.Val74Glu)

Gene: ACAD9 (acyl-CoA dehydrogenase family member 9; plus strand). Cytogenetic location: 3q21.3.
Variant type: single nucleotide variant.
Coding change: c.221T>A on transcript NM_014049.5 (MANE Select); coding-DNA position 221, T replaced by A.
Protein change: p.Val74Glu; replaces valine 74 with glutamic acid.
Molecular consequence: missense variant. On other transcripts: non-coding transcript variant (1).
Genome position (GRCh38, 1-based): chr3:128,884,723, T>A. VCF-style: chr3-128884723-T-A. GRCh37 (hg19) VCF-style: chr3-128603566-T-A.
Other names: short protein forms V74E.
Identifiers: ClinVar variation 1717121 (VCV001717121.3), dbSNP rs1935198594, ClinGen allele CA354430301.